The following is an entry in ClinVar:

NM_001101.5(ACTB):c.981C>G (p.Ile327Met)

Gene: ACTB (actin beta; minus strand). Cytogenetic location: 7p22.1.
Variant type: single nucleotide variant.
Coding change: c.981C>G on transcript NM_001101.5 (MANE Select); coding-DNA position 981, C replaced by G.
Protein change: p.Ile327Met; replaces isoleucine 327 with methionine.
Molecular consequence: missense variant.
Genome position (GRCh38, 1-based): chr7:5,528,007, G>C on the plus strand (C>G on the coding strand, the complement: ACTB is on the minus strand). VCF-style: chr7-5528007-G-C. GRCh37 (hg19) VCF-style: chr7-5567638-G-C.
Other names: short protein forms I327M.
Identifiers: ClinVar variation 4744324 (VCV004744324.1).
Genomic context (GRCh38, chr7:5,528,007, plus strand): 5'-ACCACAGGACCCCACAGCCGACCTGCCCAGGTCAGCTCAGGCAGGAAAGACACCCACCTT[G>C]ATCTTCATTGTGCTGGGTGCCAGGGCAGTGATCTCCTTCTGCATCCTGTCGGCAATGCCA-3'
Protein context (NP_001092.1, residues 317-337): ITALAPSTMK[Ile327Met]KIIAPPERKY

ClinVar aggregate classification (germline): Uncertain significance (1 of 4 stars; one submission).

Conditions:
Baraitser-Winter syndrome 1 (BRWS1). Also called: BARAITSER-WINTER SYNDROME 1, ATYPICAL; PACHYGYRIA, MENTAL RETARDATION, EPILEPSY, AND CHARACTERISTIC FACIES; MENTAL RETARDATION WITH EPILEPSY AND CHARACTERISTIC FACIES; Cerebrofrontofacial syndrome. Identifiers: Orphanet 2649, Orphanet 2995, MedGen C1855722, MONDO:0009470, OMIM 243310.

Submission:

Labcorp Genetics (formerly Invitae), Labcorp
Classification: Uncertain significance for Baraitser-Winter syndrome 1. Last evaluated: 2026-02-03. Review status: criteria provided, single submitter. Criteria: Invitae Variant Classification Sherloc (09022015). Collection method: clinical testing. Allele origin: germline.
Comment: This sequence change replaces isoleucine, which is neutral and non-polar, with methionine, which is neutral and non-polar, at codon 327 of the ACTB protein (p.Ile327Met). This variant is not present in population databases (gnomAD no frequency). This variant has not been reported in the literature in individuals affected with ACTB-related conditions. Invitae Evidence Modeling of protein sequence and biophysical properties (such as structural, functional, and spatial information, amino acid conservation, physicochemical variation, residue mobility, and thermodynamic stability) indicates that this missense variant is not expected to disrupt ACTB protein function with a negative predictive value of 80%. In summary, the available evidence is currently insufficient to determine the role of this variant in disease. Therefore, it has been classified as a Variant of Uncertain Significance.